The following is an entry in ClinVar:

NM_172107.4(KCNQ2):c.1631+2T>C

Gene: KCNQ2 (potassium voltage-gated channel subfamily Q member 2; minus strand). Cytogenetic location: 20q13.33.
Variant type: single nucleotide variant.
Coding change: c.1631+2T>C on transcript NM_172107.4 (MANE Select); the canonical splice donor site of the intron after coding-DNA position 1631, T replaced by C.
Molecular consequence: splice donor variant.
Genome position (GRCh38, 1-based): chr20:63,414,086, A>G on the plus strand (T>C on the coding strand, the complement: KCNQ2 is on the minus strand). VCF-style: chr20-63414086-A-G. GRCh37 (hg19) VCF-style: chr20-62045439-A-G.
Other names: c.1547+2T>C (NM_004518.6); c.1538+2T>C (NM_172108.5); c.1577+2T>C (NM_172106.3, NM_001382235.1).
Identifiers: ClinVar variation 1454249 (VCV001454249.7), dbSNP rs2145547234, ClinGen allele CA409645094.

ClinVar aggregate classification (germline): Pathogenic (1 of 4 stars; one submission).

Conditions:
Early-infantile DEE. Also called: Early infantile epileptic encephalopathy with suppression bursts; Early infantile epileptic encephalopathy; Ohtahara syndrome. Identifiers: Orphanet 1934, MedGen C0393706, MONDO:0800491.

Submission:

Labcorp Genetics (formerly Invitae), Labcorp
Classification: Pathogenic for Early-infantile DEE. Last evaluated: 2024-06-07. Review status: criteria provided, single submitter. Criteria: Invitae Variant Classification Sherloc (09022015). Collection method: clinical testing. Allele origin: germline.
Comment: This sequence change affects a donor splice site in intron 14 of the KCNQ2 gene. It is expected to disrupt RNA splicing. Variants that disrupt the donor or acceptor splice site typically lead to a loss of protein function (PMID: 16199547), and loss-of-function variants in KCNQ2 are known to be pathogenic (PMID: 14534157, 23692823, 27779742). This variant is not present in population databases (gnomAD no frequency). Disruption of this splice site has been observed in individual(s) with benign familial neonatal seizures (PMID: 25982755). It has also been observed to segregate with disease in related individuals. ClinVar contains an entry for this variant (Variation ID: 1454249). Algorithms developed to predict the effect of sequence changes on RNA splicing suggest that this variant may disrupt the consensus splice site. For these reasons, this variant has been classified as Pathogenic.

Literature cited by the submitters: PubMed 16199547; PubMed 14534157; PubMed 23692823; PubMed 27779742; PubMed 25982755.